The following is an entry in ClinVar:

ClinVar aggregate classification (germline): Uncertain significance. Review status: criteria provided, multiple submitters, no conflicts (2 of 4 stars). 4 submissions from 4 submitters: Uncertain significance (4). Last evaluated 2025-09-26.

Conditions:
Hereditary cancer-predisposing syndrome. Also called: Hereditary Cancer Syndrome; Hereditary neoplastic syndrome; Neoplastic Syndromes, Hereditary; Tumor predisposition. Identifiers: Orphanet 140162, MedGen C0027672, MeSH D009386, MONDO:0015356.

Allele frequency attached by ClinVar (database versions not stated): ExAC 0.00001; gnomAD exomes 0.00001.
gnomAD v4.1: 16 of 1,614,202 alleles (0.00099%); highest among the groups gnomAD compares: Non-Finnish European, 0.0014%; no homozygotes.

Submissions (4):

Ambry Genetics
Classification: Uncertain significance for Hereditary cancer-predisposing syndrome. Last evaluated: 2025-09-26. Review status: criteria provided, single submitter. Criteria: Ambry Variant Classification Scheme 2023. Collection method: clinical testing. Allele origin: germline.

Labcorp Genetics (formerly Invitae), Labcorp
Classification: Uncertain significance. Last evaluated: 2025-01-22. Review status: criteria provided, single submitter. Criteria: Invitae Variant Classification Sherloc (09022015). Collection method: clinical testing. Allele origin: germline.
Comment: This sequence change replaces asparagine, which is neutral and polar, with histidine, which is basic and polar, at codon 525 of the POLE protein (p.Asn525His). This variant is present in population databases (rs751164982, gnomAD 0.002%). This variant has not been reported in the literature in individuals affected with POLE-related conditions. ClinVar contains an entry for this variant (Variation ID: 405905). Invitae Evidence Modeling of protein sequence and biophysical properties (such as structural, functional, and spatial information, amino acid conservation, physicochemical variation, residue mobility, and thermodynamic stability) has been performed for this missense variant. However, the output from this modeling did not meet the statistical confidence thresholds required to predict the impact of this variant on POLE protein function. In summary, the available evidence is currently insufficient to determine the role of this variant in disease. Therefore, it has been classified as a Variant of Uncertain Significance.

GeneDx
Classification: Uncertain significance. Last evaluated: 2023-06-20. Review status: criteria provided, single submitter. Criteria: GeneDx Variant Classification Process June 2021. Collection method: clinical testing. Allele origin: germline. Affected: yes.
Comment: Not observed at a significant frequency in large population cohorts (gnomAD); In silico analysis supports that this missense variant has a deleterious effect on protein structure/function; Has not been previously published as pathogenic or benign to our knowledge; This variant is associated with the following publications: (PMID: 29056344)

Quest Diagnostics Nichols Institute San Juan Capistrano
Classification: Uncertain significance. Last evaluated: 2019-03-22. Review status: criteria provided, single submitter. Criteria: Quest Diagnostics criteria. Collection method: clinical testing. Allele origin: germline.

NM_006231.4(POLE):c.1573A>C (p.Asn525His)

Gene: POLE (DNA polymerase epsilon, catalytic subunit; minus strand). Cytogenetic location: 12q24.33.
Variant type: single nucleotide variant.
Coding change: c.1573A>C on transcript NM_006231.4 (MANE Select); coding-DNA position 1573, A replaced by C.
Protein change: p.Asn525His; replaces asparagine 525 with histidine.
Molecular consequence: missense variant.
Genome position (GRCh38, 1-based): chr12:132,672,740, T>G on the plus strand (A>C on the coding strand, the complement: POLE is on the minus strand). VCF-style: chr12-132672740-T-G. GRCh37 (hg19) VCF-style: chr12-133249326-T-G.
Other names: short protein forms N525H.
Identifiers: ClinVar variation 405905 (VCV000405905.13), dbSNP rs751164982, ClinGen allele CA6893911.
Genomic context (GRCh38, chr12:132,672,740, plus strand): 5'-CCACGTGGCCCCCGACGTAGGTCTCAGAGTCCAGCACGTGTCCGTCGTCCGTCAGCTTAT[T>G]GAACTCCTGCTCTTGCTTGTTGGGGAAGATGATGTTGGCGTGGAAGGCCTGCACCATCAG-3'
Protein context (NP_006222.2, residues 515-535): IFPNKQEQEF[Asn525His]KLTDDGHVLD